The following is an entry in ClinVar:

NM_001267550.2(TTN):c.34379-15A>G

Gene: TTN (titin; minus strand). Cytogenetic location: 2q31.2.
Variant type: single nucleotide variant.
Coding change: c.34379-15A>G on transcript NM_001267550.2 (MANE Select); 15 bases into the intron before coding-DNA position 34379, A replaced by G.
Molecular consequence: intron variant.
Genome position (GRCh38, 1-based): chr2:178,676,010, T>C on the plus strand (A>G on the coding strand, the complement: TTN is on the minus strand). VCF-style: chr2-178676010-T-C. GRCh37 (hg19) VCF-style: chr2-179540737-T-C.
Other names: c.30560-15A>G (NM_133378.4); c.13283-33693A>G (NM_003319.4); c.13859-33693A>G (NM_133437.4); c.13658-33693A>G (NM_133432.3); c.33341-15A>G (NM_001256850.1).
Identifiers: ClinVar variation 332880 (VCV000332880.17), dbSNP rs764544769, ClinGen allele CA1998081.

ClinVar aggregate classification (germline): Conflicting classifications of pathogenicity. Review status: criteria provided, conflicting classifications (1 of 4 stars). 10 submissions from 6 submitters: Uncertain significance (5); Likely benign (3). 2 of the submissions do not count toward it. Last evaluated 2026-01-14.

Conditions:
Myopathy, myofibrillar, 9, with early respiratory failure (MFM9). Also called: Hereditary myopathy with early respiratory failure; Myopathy, distal, with early respiratory failure, autosomal dominant; EDSTROM MYOPATHY; MYOPATHY, PROXIMAL, WITH EARLY RESPIRATORY MUSCLE INVOLVEMENT. Identifiers: Orphanet 178464, Orphanet 34521, MedGen C1863599, MONDO:0011362, OMIM 603689.
Tibial muscular dystrophy (TMD). Also called: Tibial muscular dystrophy, tardive; UDD MYOPATHY; Udd Distal Myopathy – Tibial Muscular Dystrophy. Identifiers: Orphanet 609, MedGen C1838244, MONDO:0010870, OMIM 600334.
Dilated cardiomyopathy 1G (CMD1G). Identifiers: Orphanet 154, MedGen C1858763, MONDO:0011400, OMIM 604145.
Autosomal recessive limb-girdle muscular dystrophy type 2J (LGMDR10). Also called: Limb-girdle muscular dystrophy, type 2J; MUSCULAR DYSTROPHY, LIMB-GIRDLE, AUTOSOMAL RECESSIVE 10. Identifiers: Orphanet 140922, MedGen C1837342, MONDO:0012127, OMIM 608807.
Early-onset myopathy with fatal cardiomyopathy (CMYO5). Also called: Salih Myopathy; CONGENITAL MYOPATHY 5 WITH CARDIOMYOPATHY. Identifiers: Orphanet 289377, MedGen C2673677, MONDO:0012714, OMIM 611705. Disease mechanism: loss of function.

Allele frequency attached by ClinVar (database versions not stated): ExAC 0.00002; gnomAD exomes 0.00005 and 0.00010; TOPMed 0.00008; gnomAD 0.00011.
gnomAD v4.1: 152 of 1,583,056 alleles (0.0096%); highest among the groups gnomAD compares: Non-Finnish European, 0.012%; no homozygotes.

Submissions (10):

Labcorp Genetics (formerly Invitae), Labcorp
Classification: Likely benign for Dilated cardiomyopathy 1G; Autosomal recessive limb-girdle muscular dystrophy type 2J. Last evaluated: 2026-01-14. Review status: criteria provided, single submitter. Criteria: Invitae Variant Classification Sherloc (09022015). Collection method: clinical testing. Allele origin: germline.

Blueprint Genetics
Classification: Likely benign. Last evaluated: 2020-10-30. Review status: criteria provided, single submitter. Criteria: ACMG Guidelines, 2015. Collection method: clinical testing. Allele origin: germline.

Illumina Laboratory Services, Illumina
Classification: Uncertain significance for Dilated cardiomyopathy 1G. Last evaluated: 2018-01-13. Review status: criteria provided, single submitter. Criteria: ICSL Variant Classification Criteria 13 December 2019. Collection method: clinical testing. Allele origin: germline.

Illumina Laboratory Services, Illumina
Classification: Uncertain significance for Autosomal recessive limb-girdle muscular dystrophy type 2J. Last evaluated: 2018-01-13. Review status: criteria provided, single submitter. Criteria: ICSL Variant Classification Criteria 13 December 2019. Collection method: clinical testing. Allele origin: germline.

Illumina Laboratory Services, Illumina
Classification: Uncertain significance for Myopathy, myofibrillar, 9, with early respiratory failure. Last evaluated: 2018-01-13. Review status: criteria provided, single submitter. Criteria: ICSL Variant Classification Criteria 13 December 2019. Collection method: clinical testing. Allele origin: germline.

Illumina Laboratory Services, Illumina
Classification: Uncertain significance for Early-onset myopathy with fatal cardiomyopathy. Last evaluated: 2018-01-13. Review status: criteria provided, single submitter. Criteria: ICSL Variant Classification Criteria 13 December 2019. Collection method: clinical testing. Allele origin: germline.

Illumina Laboratory Services, Illumina
Classification: Uncertain significance for Tibial muscular dystrophy. Last evaluated: 2018-01-13. Review status: criteria provided, single submitter. Criteria: ICSL Variant Classification Criteria 13 December 2019. Collection method: clinical testing. Allele origin: germline.

GeneDx
Classification: Likely benign. Last evaluated: 2017-05-19. Review status: criteria provided, single submitter. Criteria: GeneDx Variant Classification (06012015). Collection method: clinical testing. Allele origin: germline. Affected: yes.
Comment: This variant is considered likely benign or benign based on one or more of the following criteria: it is a conservative change, it occurs at a poorly conserved position in the protein, it is predicted to be benign by multiple in silico algorithms, and/or has population frequency not consistent with disease.

Clinical Genetics, Academic Medical Center
Classification: Likely benign. Review status: no assertion criteria provided. Collection method: clinical testing. Allele origin: germline. Affected: yes. Study: VKGL Data-share Consensus. Not counted in ClinVar's aggregate classification.

Joint Genome Diagnostic Labs from Nijmegen and Maastricht, Radboudumc and MUMC+
Classification: Likely benign. Review status: no assertion criteria provided. Collection method: clinical testing. Allele origin: germline. Affected: yes. Study: VKGL Data-share Consensus. Not counted in ClinVar's aggregate classification.